The following is an entry in ClinVar:

ClinVar aggregate classification (germline): Pathogenic. Review status: criteria provided, multiple submitters, no conflicts (2 of 4 stars). 7 submissions from 7 submitters: Pathogenic (5). 2 of the submissions do not count toward it. Last evaluated 2026-06-09.

Conditions:
CYP17A1-related disorder. Also called: CYP17A1-related condition.
Congenital adrenal hyperplasia. Identifiers: Orphanet 418, MedGen C0001627, MONDO:0018479, HP:0008258.
Deficiency of steroid 17-alpha-monooxygenase. Also called: Congenital adrenal hyperplasia due to 17-alpha-hydroxylase deficiency; Congenital adrenal hyperplasia type 5; 17-ALPHA-HYDROXYLASE DEFICIENCY; 17-alpha-hydroxylase/17,20-lyase deficiency; ADRENAL HYPERPLASIA V. Identifiers: Orphanet 90793, MedGen C0268285, MONDO:0008730, OMIM 202110.
17-alpha-hydroxylase/17,20-lyase deficiency, combined complete. Identifiers: MedGen CN042980, MONDO:0800379.

Allele frequency attached by ClinVar (database versions not stated): gnomAD exomes 0.00001; TOPMed below 0.00001; ExAC 0.00002.

Submissions (7):

Women's Health and Genetics/Laboratory Corporation of America, LabCorp
Classification: Pathogenic for Congenital adrenal hyperplasia. Last evaluated: 2026-06-09. Review status: criteria provided, single submitter. Criteria: LabCorp Variant Classification Summary - May 2015. Collection method: clinical testing. Allele origin: germline.
Comment: Variant summary: CYP17A1 c.316T>C (p.Ser106Pro) results in a non-conservative amino acid change in the encoded protein sequence. Algorithms developed to predict the effect of missense changes on protein structure and function all suggest that this variant is likely to be disruptive. The variant allele was found at a frequency of 8e-06 in 251484 control chromosomes. c.316T>C has been observed in multiple individuals with homozygous or compound heterozygous genotype affected with Congenital Adrenal Hyperplasia (Lin_1991, Wong_2006, Zhang_2015). These data indicate that the variant is very likely to be associated with disease. At least one publication reports experimental evidence that supports a severe loss-of-function effect (Lin_1991). The following publications have been ascertained in the context of this evaluation (PMID: 1714904, 35561789, 29278670, 16477341, 25697092). ClinVar contains an entry for this variant (Variation ID: 1780). Based on the evidence outlined above, the variant was classified as pathogenic.

GeneDx
Classification: Pathogenic. Last evaluated: 2025-12-06. Review status: criteria provided, single submitter. Criteria: GeneDx Variant Classification Process June 2021. Collection method: clinical testing. Allele origin: germline. Affected: yes.
Comment: Published functional studies demonstrate a decreased 17 alpha hydroxylase activity in comparison to wildtype (PMID: 1714904); In silico analysis supports that this missense variant has a deleterious effect on protein structure/function; This variant is associated with the following publications: (PMID: 7811386, 14560315, 1714904, 1621662, 25697092, 27096365, 29278670, 36800681, 35561789, 16477341)

Natera, Inc.
Classification: Pathogenic for Deficiency of steroid 17-alpha-monooxygenase. Last evaluated: 2025-09-03. Review status: criteria provided, single submitter. Criteria: Natera Variant Classification Schema (03/2026). Collection method: clinical testing. Allele origin: germline.
Comment: The c.316T>C variant in CYP17A1 is a missense variant predicted to cause substitution of serine to proline at amino acid 106. This variant is rare in the general population with a frequency below the threshold expected for the associated phenotype(s). This variant has been observed in one or more individuals affected with the associated recessive disease, as either homozygous or compound heterozygous with a second variant (PMID: 1714904, 16477341). Functional studies show that this variant may disrupt protein function (PMID: 1714904). Computational prediction algorithms indicate this variant is likely to affect gene or protein function. Given the available evidence, this variant is classified as Pathogenic.

Labcorp Genetics (formerly Invitae), Labcorp
Classification: Pathogenic. Last evaluated: 2024-03-05. Review status: criteria provided, single submitter. Criteria: Invitae Variant Classification Sherloc (09022015). Collection method: clinical testing. Allele origin: germline.
Comment: This sequence change replaces serine, which is neutral and polar, with proline, which is neutral and non-polar, at codon 106 of the CYP17A1 protein (p.Ser106Pro). This variant is present in population databases (rs104894135, gnomAD 0.006%). This missense change has been observed in individual(s) with 17-alpha-hydroxylase deficiency (PMID: 1714904, 16477341). In at least one individual the data is consistent with being in trans (on the opposite chromosome) from a pathogenic variant. ClinVar contains an entry for this variant (Variation ID: 1780). Advanced modeling of protein sequence and biophysical properties (such as structural, functional, and spatial information, amino acid conservation, physicochemical variation, residue mobility, and thermodynamic stability) performed at Invitae indicates that this missense variant is not expected to disrupt CYP17A1 protein function with a negative predictive value of 95%. Experimental studies have shown that this missense change affects CYP17A1 function (PMID: 1714904). For these reasons, this variant has been classified as Pathogenic.

Fulgent Genetics
Classification: Pathogenic for Deficiency of steroid 17-alpha-monooxygenase. Last evaluated: 2018-10-31. Review status: criteria provided, single submitter. Criteria: ACMG Guidelines, 2015. Collection method: clinical testing. Allele origin: unknown.

PreventionGenetics, part of Exact Sciences
Classification: Likely pathogenic for CYP17A1-related condition. Last evaluated: 2023-12-18. Review status: no assertion criteria provided. Collection method: clinical testing. Allele origin: germline. Not counted in ClinVar's aggregate classification.
Comment: The CYP17A1 c.316T>C variant is predicted to result in the amino acid substitution p.Ser106Pro. This variant has been reported in the homozygous and compound heterozygous states in multiple individuals with 17-alpha-hydroxylase/17,20 lyase deficiency (Lin et al. 1991. PubMed ID: 1714904; Wong et al. 2006. PubMed ID: 16477341; Zhang et al. 2015. PubMed ID: 25697092; Sun et al. 2017. PubMed ID: 29278670). In vitro experimental studies have demonstrated that the p.Ser106Pro variant results in a complete loss of catalytic activity when co-incubated with several different steroid substrates (Lin et al. 1991. PubMed ID: 1714904). This variant is reported in 0.011% of alleles in individuals of East Asian descent in gnomAD. This variant is interpreted as likely pathogenic.

OMIM
Classification: Pathogenic for 17-ALPHA-HYDROXYLASE/17,20-LYASE DEFICIENCY, COMBINED COMPLETE. Last evaluated: 1992-05-01. Review status: no assertion criteria provided. Collection method: literature only. Allele origin: germline. Not counted in ClinVar's aggregate classification.

Literature cited by the submitters: PubMed 1714904 (cited by 4 submitters); PubMed 16477341 (cited by 3 submitters); PubMed 29278670 (cited by Women's Health and Genetics/Laboratory Corporation of America, LabCorp); PubMed 35561789 (cited by Women's Health and Genetics/Laboratory Corporation of America, LabCorp); PubMed 25697092 (cited by Women's Health and Genetics/Laboratory Corporation of America, LabCorp); PubMed 1621662 (cited by OMIM).

NM_000102.4(CYP17A1):c.316T>C (p.Ser106Pro)

Gene: CYP17A1 (cytochrome P450 family 17 subfamily A member 1; minus strand). Cytogenetic location: 10q24.32.
Variant type: single nucleotide variant.
Coding change: c.316T>C on transcript NM_000102.4 (MANE Select); coding-DNA position 316, T replaced by C.
Protein change: p.Ser106Pro; replaces serine 106 with proline.
Molecular consequence: missense variant.
Genome position (GRCh38, 1-based): chr10:102,835,374, A>G on the plus strand (T>C on the coding strand, the complement: CYP17A1 is on the minus strand). VCF-style: chr10-102835374-A-G. GRCh37 (hg19) VCF-style: chr10-104595131-A-G.
Other names: short protein forms S106P.
Identifiers: ClinVar variation 1780 (VCV000001780.17), dbSNP rs104894135, ClinGen allele CA115179.